The following is an entry in ClinVar:

NM_001005242.3(PKP2):c.1379-2000T>A

Gene: PKP2 (plakophilin 2; minus strand). Cytogenetic location: 12p11.21.
Variant type: single nucleotide variant.
Coding change: c.1379-2000T>A on transcript NM_001005242.3 (MANE Select); 2000 bases into the intron before coding-DNA position 1379, T replaced by A.
Molecular consequence: intron variant. On other transcripts: missense variant (1).
Genome position (GRCh38, 1-based): chr12:32,843,205, A>T on the plus strand (T>A on the coding strand, the complement: PKP2 is on the minus strand). VCF-style: chr12-32843205-A-T. GRCh37 (hg19) VCF-style: chr12-32996139-A-T.
Other names: c.1487T>A, p.Val496Asp (NM_004572.4); short protein forms V496D.
Identifiers: ClinVar variation 629358 (VCV000629358.41), dbSNP rs769899368, ClinGen allele CA028658.

ClinVar aggregate classification (germline): Conflicting classifications of pathogenicity. Review status: criteria provided, conflicting classifications (1 of 4 stars). 5 submissions from 5 submitters: Uncertain significance (2); Likely benign (3). Last evaluated 2025-12-19.

Conditions:
Cardiovascular phenotype. Identifiers: MedGen CN230736.
Cardiomyopathy (CMYO). Also called: Cardiomyopathies. Identifiers: Orphanet 167848, MedGen C0878544, MONDO:0004994, HP:0001638. Inheritance: Various modes of inheritance.
Arrhythmogenic right ventricular dysplasia 9 (ARVD9). Also called: Arrhythmogenic Right Ventricular Dysplasia/Cardiomyopathy 9; ARRHYTHMOGENIC RIGHT VENTRICULAR DYSPLASIA, FAMILIAL, 9. Identifiers: MedGen C1836906, MONDO:0012180, OMIM 609040.

Allele frequency attached by ClinVar (database versions not stated): gnomAD exomes 0.00003 and 0.00005; TOPMed 0.00003; ExAC 0.00005; gnomAD 0.00005.
gnomAD v4.1: 19 of 585,082 alleles (0.0032%); highest among the groups gnomAD compares: Non-Finnish European, 0.00062%; no homozygotes.

Submissions (5):

Labcorp Genetics (formerly Invitae), Labcorp
Classification: Likely benign for Arrhythmogenic right ventricular dysplasia 9. Last evaluated: 2025-12-19. Review status: criteria provided, single submitter. Criteria: Invitae Variant Classification Sherloc (09022015). Collection method: clinical testing. Allele origin: germline.

CeGaT Center for Human Genetics Tuebingen
Classification: Likely benign. Last evaluated: 2024-06-01. Review status: criteria provided, single submitter. Criteria: CeGaT Center For Human Genetics Tuebingen Variant Classification Criteria Version 2. Collection method: clinical testing. Allele origin: germline. Affected: yes. Observed: 2 variant alleles.
Comment: PKP2: BP4, BS2

Color Diagnostics, LLC DBA Color Health
Classification: Uncertain significance for Cardiomyopathy. Last evaluated: 2024-04-05. Review status: criteria provided, single submitter. Criteria: ACMG Guidelines, 2015. Collection method: clinical testing. Allele origin: germline.
Comment: This missense variant replaces valine with aspartic acid at codon 496 of the PKP2 protein. Computational prediction suggests that this variant may not impact protein structure and function (internally defined REVEL score threshold <= 0.5, PMID: 27666373). To our knowledge, functional studies have not been reported for this variant. This variant has been reported in an individual affected with dilated cardiomyopathy (PMID: 30685992). This variant has also been identified in 11/220230 chromosomes in the general population by the Genome Aggregation Database (gnomAD). The available evidence is insufficient to determine the role of this variant in disease conclusively. Therefore, this variant is classified as a Variant of Uncertain Significance.

Ambry Genetics
Classification: Likely benign for Cardiovascular phenotype. Last evaluated: 2021-05-27. Review status: criteria provided, single submitter. Criteria: Ambry Variant Classification Scheme 2023. Collection method: clinical testing. Allele origin: germline.

Illumina Laboratory Services, Illumina
Classification: Uncertain significance for Arrhythmogenic right ventricular dysplasia 9. Last evaluated: 2018-01-13. Review status: criteria provided, single submitter. Criteria: ICSL Variant Classification Criteria 13 December 2019. Collection method: clinical testing. Allele origin: germline.

Literature cited by the submitters: PubMed 30685992 (cited by Color Diagnostics, LLC DBA Color Health and Ambry Genetics).